The following is an entry in ClinVar:

NM_001457.4(FLNB):c.1842C>T (p.Gly614=)

Gene: FLNB (filamin B; plus strand). Cytogenetic location: 3p14.3.
Variant type: single nucleotide variant.
Coding change: c.1842C>T on transcript NM_001457.4 (MANE Select); coding-DNA position 1842, C replaced by T.
Protein change: p.Gly614=; no amino-acid change (glycine 614 retained).
Molecular consequence: synonymous variant.
Genome position (GRCh38, 1-based): chr3:58,106,774, C>T. VCF-style: chr3-58106774-C-T. GRCh37 (hg19) VCF-style: chr3-58092501-C-T.
Other names: c.1842C>T, p.Gly614= (NM_001164317.2, NM_001164318.2, NM_001164319.2).
Identifiers: ClinVar variation 3604742 (VCV003604742.13).
Genomic context (GRCh38, chr3:58,106,774, plus strand): 5'-TGAGTACAACGACCAGAATGATGGATCGTGTGATGTCAAATACTGGCCCAAGGAGCCTGG[C>T]GAATATGCTGTTCACATCATGTGTGACGACGAAGACATCAAGGACAGCCCGTACATGGCC-3'
Protein context (NP_001448.2, residues 604-624): CDVKYWPKEP[Gly614=]EYAVHIMCDD

ClinVar aggregate classification (germline): Likely benign. Review status: criteria provided, multiple submitters, no conflicts (2 of 4 stars). 2 submissions from 2 submitters: Likely benign (2). Last evaluated 2025-09-09.

gnomAD v4.1: 22 of 1,613,982 alleles (0.0014%); highest among the groups gnomAD compares: African/African-American, 0.0067%; no homozygotes.

Submissions (3):

Labcorp Genetics (formerly Invitae), Labcorp
Classification: Likely benign. Last evaluated: 2025-09-09. Review status: criteria provided, single submitter. Criteria: Invitae Variant Classification Sherloc (09022015). Collection method: clinical testing. Allele origin: germline.

CeGaT Center for Human Genetics Tuebingen
Classification: Likely benign. Last evaluated: 2025-06-01. Review status: criteria provided, single submitter. Criteria: CeGaT Center For Human Genetics Tuebingen Variant Classification Criteria Version 2. Collection method: clinical testing. Allele origin: germline. Affected: yes. Observed: 1 variant allele.
Comment: FLNB: BP4, BP7

Dr. Peter K. Rogan Lab, Western University
No classification provided (evidence only). Condition: Colon adenocarcinoma. Review status: no classification provided. Collection method: in vitro. Allele origin: not applicable. Functional consequence: retained intron. Not counted in ClinVar's aggregate classification.